The following is an entry in ClinVar:

ClinVar aggregate classification (germline): Uncertain significance (1 of 4 stars; one submission).

Conditions:
Ehlers-Danlos syndrome, classic type, 1 (EDSCL1). Also called: EHLERS-DANLOS SYNDROME, GRAVIS TYPE; EHLERS-DANLOS SYNDROME, SEVERE CLASSIC TYPE; Ehlers-Danlos syndrome, type 1; Ehlers-Danlos Syndrome, Classic Type, COL5A1-Related; EDS I. Identifiers: MedGen C0268335, MONDO:0019567, OMIM 130000.

Submission:

Labcorp Genetics (formerly Invitae), Labcorp
Classification: Uncertain significance for Ehlers-Danlos syndrome, classic type, 1. Last evaluated: 2020-12-25. Review status: criteria provided, single submitter. Criteria: Invitae Variant Classification Sherloc (09022015). Collection method: clinical testing. Allele origin: germline.
Comment: In summary, the available evidence is currently insufficient to determine the role of this variant in disease. Therefore, it has been classified as a Variant of Uncertain Significance. Advanced modeling of protein sequence and biophysical properties (such as structural, functional, and spatial information, amino acid conservation, physicochemical variation, residue mobility, and thermodynamic stability) performed at Invitae indicates that this missense variant is not expected to disrupt COL5A2 protein function. This sequence change replaces lysine with asparagine at codon 115 of the COL5A2 protein (p.Lys115Asn). The lysine residue is highly conserved and there is a moderate physicochemical difference between lysine and asparagine. This variant is not present in population databases (ExAC no frequency). This variant has not been reported in the literature in individuals with COL5A2-related conditions.

NM_000393.5(COL5A2):c.345G>C (p.Lys115Asn)

Gene: COL5A2 (collagen type V alpha 2 chain; minus strand). Cytogenetic location: 2q32.2.
Variant type: single nucleotide variant.
Coding change: c.345G>C on transcript NM_000393.5 (MANE Select); coding-DNA position 345, G replaced by C.
Protein change: p.Lys115Asn; replaces lysine 115 with asparagine.
Molecular consequence: missense variant.
Genome position (GRCh38, 1-based): chr2:189,100,131, C>G on the plus strand (G>C on the coding strand, the complement: COL5A2 is on the minus strand). VCF-style: chr2-189100131-C-G. GRCh37 (hg19) VCF-style: chr2-189964857-C-G.
Other names: short protein forms K115N.
Identifiers: ClinVar variation 1477242 (VCV001477242.8), dbSNP rs2105690115, ClinGen allele CA349864174.